The following is an entry in ClinVar:

ClinVar aggregate classification (germline): Uncertain significance (1 of 4 stars; one submission).

Conditions:
Nystagmus 1, congenital, X-linked. Also called: NYSTAGMUS 1, INFANTILE, X-LINKED; NYSTAGMUS, CONGENITAL MOTOR, 1; NYSTAGMUS, INFANTILE IDIOPATHIC; FRMD7-Related Infantile Nystagmus; NYSTAGMUS, INFANTILE PERIODIC ALTERNATING, X-LINKED. Identifiers: MedGen C1839580, MONDO:0010693, OMIM 310700.

Submission:

3billion
Classification: Uncertain significance for Nystagmus 1, congenital, X-linked. Last evaluated: 2025-05-27. Review status: criteria provided, single submitter. Criteria: ACMG Guidelines, 2015. Collection method: clinical testing. Allele origin: germline. Affected: yes.
Comment: The variant is not observed in the gnomAD v4.1.0 dataset. Predicted Consequence/Location: Missense variant In silico tool predictions suggest damaging effect of the variant on gene or gene product [REVEL: 0.91 (>=0.6, sensitivity 0.68 and specificity 0.92)]. It is uncertain if the variant will alter splicing and produce an abnormal transcript [SpliceAI: 0.17 (>=0.2, moderate evidence for spliceogenicity)]. Different missense changes at the same codon have been reported as of uncertain significance (ClinVar ID: VCV002416529). Therefore, this variant is classified as VUS according to the recommendation of ACMG/AMP guideline.

NM_194277.3(FRMD7):c.910C>G (p.Arg304Gly)

Gene: FRMD7 (FERM domain containing 7; minus strand). Cytogenetic location: Xq26.2.
Variant type: single nucleotide variant.
Coding change: c.910C>G on transcript NM_194277.3 (MANE Select); coding-DNA position 910, C replaced by G.
Protein change: p.Arg304Gly; replaces arginine 304 with glycine.
Molecular consequence: missense variant.
Genome position (GRCh38, 1-based): chrX:132,080,262, G>C on the plus strand (C>G on the coding strand, the complement: FRMD7 is on the minus strand). VCF-style: chrX-132080262-G-C. GRCh37 (hg19) VCF-style: chrX-131214290-G-C.
Other names: c.865C>G, p.Arg289Gly (NM_001306193.2); short protein forms R289G, R304G.
Identifiers: ClinVar variation 4856057 (VCV004856057.1).